The following is an entry in ClinVar:

ClinVar aggregate classification (germline): Uncertain significance. Review status: criteria provided, multiple submitters, no conflicts (2 of 4 stars). 3 submissions from 3 submitters: Uncertain significance (3). Last evaluated 2025-10-13.

Conditions:
LAMB2-related infantile-onset nephrotic syndrome. Also called: NEPHROTIC SYNDROME, TYPE 5, WITHOUT OCULAR ABNORMALITIES; NEPHROTIC SYNDROME, TYPE 5, WITH OCULAR ABNORMALITIES; Nephrotic Syndrome, type 5. Identifiers: Orphanet 306507, MedGen C3280113, MONDO:0013621, OMIM 614199.
Pierson syndrome. Also called: MICROCORIA-CONGENITAL NEPHROTIC SYNDROME. Identifiers: Orphanet 2670, MedGen C1836876, MONDO:0012184, OMIM 609049.
Inborn genetic diseases. Identifiers: MedGen C0950123, MeSH D030342.

Allele frequency attached by ClinVar (database versions not stated): gnomAD 0.00001; gnomAD exomes 0.00002 and 0.00003; ExAC 0.00003; TOPMed 0.00003.

Submissions (3):

Labcorp Genetics (formerly Invitae), Labcorp
Classification: Uncertain significance for LAMB2-related infantile-onset nephrotic syndrome; Pierson syndrome. Last evaluated: 2025-10-13. Review status: criteria provided, single submitter. Criteria: Invitae Variant Classification Sherloc (09022015). Collection method: clinical testing. Allele origin: germline.
Comment: This sequence change replaces isoleucine, which is neutral and non-polar, with threonine, which is neutral and polar, at codon 1269 of the LAMB2 protein (p.Ile1269Thr). This variant is present in population databases (rs750462831, gnomAD 0.007%). This variant has not been reported in the literature in individuals affected with LAMB2-related conditions. ClinVar contains an entry for this variant (Variation ID: 849583). An algorithm developed to predict the effect of missense changes on protein structure and function (PolyPhen-2) suggests that this variant is likely to be disruptive. In summary, the available evidence is currently insufficient to determine the role of this variant in disease. Therefore, it has been classified as a Variant of Uncertain Significance.

Ambry Genetics
Classification: Uncertain significance for Inborn genetic diseases. Last evaluated: 2025-02-23. Review status: criteria provided, single submitter. Criteria: Ambry Variant Classification Scheme 2023. Collection method: clinical testing. Allele origin: germline.

Fulgent Genetics
Classification: Uncertain significance for Pierson syndrome; LAMB2-related infantile-onset nephrotic syndrome. Last evaluated: 2024-06-05. Review status: criteria provided, single submitter. Criteria: ACMG Guidelines, 2015. Collection method: clinical testing. Allele origin: germline.

NM_002292.4(LAMB2):c.3806T>C (p.Ile1269Thr)

Gene: LAMB2 (laminin subunit beta 2; minus strand). Cytogenetic location: 3p21.31.
Variant type: single nucleotide variant.
Coding change: c.3806T>C on transcript NM_002292.4 (MANE Select); coding-DNA position 3806, T replaced by C.
Protein change: p.Ile1269Thr; replaces isoleucine 1269 with threonine.
Molecular consequence: missense variant.
Genome position (GRCh38, 1-based): chr3:49,123,623, A>G on the plus strand (T>C on the coding strand, the complement: LAMB2 is on the minus strand). VCF-style: chr3-49123623-A-G. GRCh37 (hg19) VCF-style: chr3-49161056-A-G.
Other names: short protein forms I1269T.
Identifiers: ClinVar variation 849583 (VCV000849583.9), dbSNP rs750462831, ClinGen allele CA2393936.